The following is an entry in ClinVar:

ClinVar aggregate classification (germline): Benign. Review status: criteria provided, single submitter (1 of 4 stars). 2 submissions from 2 submitters: Benign (1). 1 of the submissions does not count toward it. Last evaluated 2024-07-27.

Conditions:
Aculeiform cataract (CTRCT4). Also called: Frosted cataract; Needle-shaped cataract; Fasciculiform cataract. Identifiers: MedGen C1861832, HP:0010926.
CRYGD-related disorder. Also called: CRYGD-related condition.

Allele frequency attached by ClinVar (database versions not stated): ExAC 0.00008; gnomAD 0.00010; TOPMed 0.00017.
gnomAD v4.1: 60 of 1,613,866 alleles (0.0037%); highest among the groups gnomAD compares: Admixed American, 0.037%; 1 homozygote.

Submissions (2):

Labcorp Genetics (formerly Invitae), Labcorp
Classification: Benign for Aculeiform cataract. Last evaluated: 2024-07-27. Review status: criteria provided, single submitter. Criteria: Invitae Variant Classification Sherloc (09022015). Collection method: clinical testing. Allele origin: germline.

PreventionGenetics, part of Exact Sciences
Classification: Likely benign for CRYGD-related condition. Last evaluated: 2022-12-29. Review status: no assertion criteria provided. Collection method: clinical testing. Allele origin: germline. Not counted in ClinVar's aggregate classification.
Comment: This variant is classified as likely benign based on ACMG/AMP sequence variant interpretation guidelines (Richards et al. 2015 PMID: 25741868, with internal and published modifications).

NM_006891.4(CRYGD):c.253-5G>A

Genes: CRYGD (crystallin gamma D; minus strand), LOC100507443 (uncharacterized LOC100507443; plus strand). Cytogenetic location: 2q33.3.
Variant type: single nucleotide variant.
Coding change: c.253-5G>A on transcript NM_006891.4 (MANE Select); 5 bases into the intron before coding-DNA position 253, G replaced by A.
Molecular consequence: intron variant.
Genome position (GRCh38, 1-based): chr2:208,121,950, C>T on the plus strand (G>A on the coding strand, the complement: CRYGD is on the minus strand). VCF-style: chr2-208121950-C-T. GRCh37 (hg19) VCF-style: chr2-208986674-C-T.
Identifiers: ClinVar variation 3036444 (VCV003036444.4), dbSNP rs755483149, ClinGen allele CA2077672.